The following is an entry in ClinVar:

NM_178857.6(RP1L1):c.1933G>T (p.Ala645Ser)

Gene: RP1L1 (RP1 like 1). Cytogenetic location: 8p23.1.
Variant type: single nucleotide variant.
Coding change: c.1933G>T on transcript NM_178857.6 (MANE Select); coding-DNA position 1933, G replaced by T.
Protein change: p.Ala645Ser; replaces alanine 645 with serine.
Molecular consequence: missense variant.
Genome position (GRCh38, 1-based): chr8:10,612,165, C>A on the plus strand (G>T on the coding strand, the complement: RP1L1 is on the minus strand). VCF-style: chr8-10612165-C-A. GRCh37 (hg19) VCF-style: chr8-10469675-C-A.
Other names: short protein forms A645S.
Identifiers: ClinVar variation 3155808 (VCV003155808.4), dbSNP rs369958341, ClinGen allele CA4625010.
Genomic context (GRCh38, chr8:10,612,165, plus strand): 5'-GATGGCCTCTCGGGGCCACTCGGCCAAGGCCAGGGCTGCTGGGTGAGGACATTGCACTGG[C>A]CCGGCTTCTGTGCCTTCTCTGCCCCTGCTGGGATGAAGTGCAGGTGGAAGGGGTGGAAGA-3'
Protein context (NP_849188.4, residues 635-655): QQGQRRHRSR[Ala645Ser]SAMSSPSSPG

ClinVar aggregate classification (germline): Conflicting classifications of pathogenicity. Review status: criteria provided, conflicting classifications (1 of 4 stars). 3 submissions from 3 submitters: Uncertain significance (2); Likely benign (1). Last evaluated 2026-04-13.

Conditions:
RP1L1-related disorder. Also called: RP1L1-related condition.
Inborn genetic diseases. Identifiers: MedGen C0950123, MeSH D030342.

Allele frequency attached by ClinVar (database versions not stated): 1000 Genomes Project 30x 0.00016; ESP Exome Variant Server 0.00016; 1000 Genomes Project 0.00020; gnomAD 0.00020; TOPMed 0.00028.
gnomAD v4.1: 78 of 1,613,436 alleles (0.0048%); highest among the groups gnomAD compares: African/African-American, 0.073%; 1 homozygote.

Submissions (3):

PreventionGenetics, part of Exact Sciences
Classification: Uncertain significance for RP1L1-related condition. Last evaluated: 2026-04-13. Review status: criteria provided, single submitter. Criteria: ACMG Guidelines, 2015. Collection method: clinical testing. Allele origin: germline.
Comment: The RP1L1 c.1933G>T variant is predicted to result in the amino acid substitution p.Ala645Ser. To our knowledge, this variant has not been reported in the literature. This variant is reported in 0.071% of alleles in individuals of African descent in gnomAD, which may be too frequent to be a primary cause of disease. Although we suspect that this variant may be benign, at this time, the clinical significance of this variant is uncertain due to the absence of conclusive functional and genetic evidence.

Ambry Genetics
Classification: Uncertain significance for Inborn genetic diseases. Last evaluated: 2025-08-03. Review status: criteria provided, single submitter. Criteria: Ambry Variant Classification Scheme 2023. Collection method: clinical testing. Allele origin: germline.

Blueprint Genetics
Classification: Likely benign. Last evaluated: 2024-06-20. Review status: criteria provided, single submitter. Criteria: ACMG Guidelines, 2015. Collection method: clinical testing. Allele origin: germline.